The following is an entry in ClinVar:

ClinVar aggregate classification (germline): Conflicting classifications of pathogenicity. Review status: criteria provided, conflicting classifications (1 of 4 stars). 3 submissions from 3 submitters: Uncertain significance (1); Likely benign (2). Last evaluated 2025-05-22.

Conditions:
Hereditary cancer-predisposing syndrome. Also called: Tumor predisposition; Neoplastic Syndromes, Hereditary; Hereditary Cancer Syndrome; Hereditary neoplastic syndrome. Identifiers: Orphanet 140162, MedGen C0027672, MeSH D009386, MONDO:0015356.

Allele frequency attached by ClinVar (database versions not stated): TOPMed below 0.00001; gnomAD 0.00001.
gnomAD v4.1: 1 of 1,604,326 alleles (0.000062%); highest among the groups gnomAD compares: Non-Finnish European, 0.000085%; no homozygotes.

Submissions (3):

Labcorp Genetics (formerly Invitae), Labcorp
Classification: Likely benign. Last evaluated: 2025-05-22. Review status: criteria provided, single submitter. Criteria: Invitae Variant Classification Sherloc (09022015). Collection method: clinical testing. Allele origin: germline.

Sema4
Classification: Uncertain significance for Hereditary cancer-predisposing syndrome. Last evaluated: 2021-09-20. Review status: criteria provided, single submitter. Criteria: Sema4 Curation Guidelines. Collection method: curation. Allele origin: germline.
Comment: The NTHL1 c.543C>T (p.F181=) variant has not been reported in the literature to our knowledge. It was not observed in the large and broad cohorts of the Genome Aggregation Database (PMID: 32461654). The variant has been reported in ClinVar (Variation ID 1160254). In silico tools suggest that the affected nucleotide is conserved and the variant is predicted not to have an impact on splicing, though these predictions have not been confirmed by functional studies. The evidence is insufficient to meet ACMG/AMP criteria for classifying the variant as benign or pathogenic. Thus, the clinical significance of this variant is currently uncertain.

Ambry Genetics
Classification: Likely benign for Hereditary cancer-predisposing syndrome. Last evaluated: 2019-10-29. Review status: criteria provided, single submitter. Criteria: Ambry Variant Classification Scheme 2023. Collection method: clinical testing. Allele origin: germline.

NM_002528.7(NTHL1):c.519C>T (p.Phe173=)

Gene: NTHL1 (nth like DNA glycosylase 1; minus strand). Cytogenetic location: 16p13.3.
Variant type: single nucleotide variant.
Coding change: c.519C>T on transcript NM_002528.7 (MANE Select); coding-DNA position 519, C replaced by T.
Protein change: p.Phe173=; no amino-acid change (phenylalanine 173 retained).
Molecular consequence: synonymous variant. On other transcripts: intron variant (1).
Genome position (GRCh38, 1-based): chr16:2,044,636, G>A on the plus strand (C>T on the coding strand, the complement: NTHL1 is on the minus strand). VCF-style: chr16-2044636-G-A. GRCh37 (hg19) VCF-style: chr16-2094637-G-A.
Other names: c.189C>T, p.Phe63= (NM_001318194.2); c.355-910C>T (NM_001318193.2).
Identifiers: ClinVar variation 1160254 (VCV001160254.12), dbSNP rs1401228518, ClinGen allele CA492952724.